The following is an entry in ClinVar:

ClinVar aggregate classification (germline): Uncertain significance (1 of 4 stars; one submission).

gnomAD v4.1: 2 of 1,614,150 alleles (0.00012%); highest among the groups gnomAD compares: Non-Finnish European, 0.00017%; no homozygotes.

Submission:

Labcorp Genetics (formerly Invitae), Labcorp
Classification: Uncertain significance. Last evaluated: 2023-05-28. Review status: criteria provided, single submitter. Criteria: Invitae Variant Classification Sherloc (09022015). Collection method: clinical testing. Allele origin: germline.
Comment: In summary, the available evidence is currently insufficient to determine the role of this variant in disease. Therefore, it has been classified as a Variant of Uncertain Significance. Advanced modeling of protein sequence and biophysical properties (such as structural, functional, and spatial information, amino acid conservation, physicochemical variation, residue mobility, and thermodynamic stability) performed at Invitae indicates that this missense variant is not expected to disrupt SRCAP protein function. This variant has not been reported in the literature in individuals affected with SRCAP-related conditions. This variant is not present in population databases (gnomAD no frequency). This sequence change replaces proline, which is neutral and non-polar, with serine, which is neutral and polar, at codon 1586 of the SRCAP protein (p.Pro1586Ser).

NM_006662.3(SRCAP):c.4756C>T (p.Pro1586Ser)

Gene: SRCAP (Snf2 related CREBBP activator protein; plus strand). Cytogenetic location: 16p11.2.
Variant type: single nucleotide variant.
Coding change: c.4756C>T on transcript NM_006662.3 (MANE Select); coding-DNA position 4756, C replaced by T.
Protein change: p.Pro1586Ser; replaces proline 1586 with serine.
Molecular consequence: missense variant.
Genome position (GRCh38, 1-based): chr16:30,724,180, C>T. VCF-style: chr16-30724180-C-T. GRCh37 (hg19) VCF-style: chr16-30735501-C-T.
Other names: short protein forms P1586S.
Identifiers: ClinVar variation 2745483 (VCV002745483.3), dbSNP rs2053039608, ClinGen allele CA395616582.
Genomic context (GRCh38, chr16:30,724,180, plus strand): 5'-GCTCCAGCTCAGGCTTCCCTTCTGGCTCCAGCATCTTCTGCATCTCAGGCTCTAGCCACC[C>T]CTCTGGCTCCTATGGCGGCTCCACAGACAGCAATTCTGGCTCCTTCTCCAGCTCCTCCTC-3'
Protein context (NP_006653.2, residues 1576-1596): ASSASQALAT[Pro1586Ser]LAPMAAPQTA